The following is an entry in ClinVar:

NM_006393.3(NEBL):c.2903A>G (p.Gln968Arg)

Gene: NEBL (nebulette; minus strand). Cytogenetic location: 10p12.31.
Variant type: single nucleotide variant.
Coding change: c.2903A>G on transcript NM_006393.3 (MANE Select); coding-DNA position 2903, A replaced by G.
Protein change: p.Gln968Arg; replaces glutamine 968 with arginine.
Molecular consequence: missense variant. On other transcripts: synonymous variant (1).
Genome position (GRCh38, 1-based): chr10:20,785,889, T>C on the plus strand (A>G on the coding strand, the complement: NEBL is on the minus strand). VCF-style: chr10-20785889-T-C. GRCh37 (hg19) VCF-style: chr10-21074818-T-C.
Other names: c.669A>G, p.Pro223= (NM_001173484.2); c.764A>G, p.Gln255Arg (NM_001377322.1); c.623A>G, p.Gln208Arg (NM_001377323.1); c.614A>G, p.Gln205Arg (NM_001377324.1); c.605A>G, p.Gln202Arg (NM_001377325.1); c.563A>G, p.Gln188Arg (NM_001377326.1, NM_001377327.1, NM_001377328.1); c.671A>G, p.Gln224Arg (NM_213569.2); short protein forms Q188R, Q208R, Q224R, Q202R, Q255R, Q205R, Q968R.
Identifiers: ClinVar variation 2448885 (VCV002448885.6), dbSNP rs750379406, ClinGen allele CA5432269.
Genomic context (GRCh38, chr10:20,785,889, plus strand): 5'-TCAATAGGCTGCACGTTGACGATGTAGTCGCCGTCTCTAAAGGAGACCTCGTCTTCATCC[T>C]GGGCACTGTAATCGTACATGGCTCGGTAGGTCCTCTGAGAAAGGAAGAAGGGATTATACG-3'
Protein context (NP_006384.1, residues 958-978): TYRAMYDYSA[Gln968Arg]DEDEVSFRDG

ClinVar aggregate classification (germline): Uncertain significance. Review status: criteria provided, multiple submitters, no conflicts (2 of 4 stars). 3 submissions from 3 submitters: Uncertain significance (3). Last evaluated 2024-12-17.

Conditions:
Primary dilated cardiomyopathy (DCM). Also called: Dilated Cardiomyopathy. Identifiers: Orphanet 217604, MedGen C0007193, MeSH D002311, MONDO:0005021, HP:0001644. Inheritance: Various modes of inheritance.

Allele frequency attached by ClinVar (database versions not stated): ExAC 0.00001; gnomAD 0.00001; gnomAD exomes 0.00001; TOPMed 0.00002.
gnomAD v4.1: 11 of 1,613,952 alleles (0.00068%); highest among the groups gnomAD compares: African/African-American, 0.0013%; no homozygotes.

Submissions (3):

Labcorp Genetics (formerly Invitae), Labcorp
Classification: Uncertain significance for Primary dilated cardiomyopathy. Last evaluated: 2024-12-17. Review status: criteria provided, single submitter. Criteria: Invitae Variant Classification Sherloc (09022015). Collection method: clinical testing. Allele origin: germline.
Comment: This sequence change replaces glutamine, which is neutral and polar, with arginine, which is basic and polar, at codon 968 of the NEBL protein (p.Gln968Arg). This variant is present in population databases (rs750379406, gnomAD 0.002%). This variant has not been reported in the literature in individuals affected with NEBL-related conditions. ClinVar contains an entry for this variant (Variation ID: 2448885). An algorithm developed to predict the effect of missense changes on protein structure and function (PolyPhen-2) suggests that this variant is likely to be disruptive. In summary, the available evidence is currently insufficient to determine the role of this variant in disease. Therefore, it has been classified as a Variant of Uncertain Significance.

Women's Health and Genetics/Laboratory Corporation of America, LabCorp
Classification: Uncertain significance. Last evaluated: 2024-11-26. Review status: criteria provided, single submitter. Criteria: LabCorp Variant Classification Summary - May 2015. Collection method: clinical testing. Allele origin: germline.

Ambry Genetics
Classification: Uncertain significance. Last evaluated: 2023-02-03. Review status: criteria provided, single submitter. Criteria: Ambry Variant Classification Scheme 2023. Collection method: clinical testing. Allele origin: germline.
Comment: The p.Q968R variant (also known as c.2903A>G), located in coding exon 28 of the NEBL gene, results from an A to G substitution at nucleotide position 2903. The glutamine at codon 968 is replaced by arginine, an amino acid with highly similar properties. This amino acid position is conserved. In addition, this alteration is predicted to be tolerated by in silico analysis. Since supporting evidence is limited at this time, the clinical significance of this alteration remains unclear.